The following is an entry in ClinVar:

NM_000384.3(APOB):c.8119A>T (p.Thr2707Ser)

Gene: APOB (apolipoprotein B; minus strand). Cytogenetic location: 2p24.1.
Variant type: single nucleotide variant.
Coding change: c.8119A>T on transcript NM_000384.3 (MANE Select); coding-DNA position 8119, A replaced by T.
Protein change: p.Thr2707Ser; replaces threonine 2707 with serine.
Molecular consequence: missense variant.
Genome position (GRCh38, 1-based): chr2:21,008,749, T>A on the plus strand (A>T on the coding strand, the complement: APOB is on the minus strand). VCF-style: chr2-21008749-T-A. GRCh37 (hg19) VCF-style: chr2-21231621-T-A.
Other names: short protein forms T2707S.
Identifiers: ClinVar variation 1762065 (VCV001762065.2), dbSNP rs2465367076, ClinGen allele CA345995397.

ClinVar aggregate classification (germline): Uncertain significance (1 of 4 stars; one submission).

Conditions:
Cardiovascular phenotype. Identifiers: MedGen CN230736.

Allele frequency attached by ClinVar (database versions not stated): gnomAD exomes below 0.00001.
gnomAD v4.1: 1 of 1,613,990 alleles (0.000062%); highest among the groups gnomAD compares: Non-Finnish European, 0.000085%; no homozygotes.

Submission:

Ambry Genetics
Classification: Uncertain significance for Cardiovascular phenotype. Last evaluated: 2022-01-26. Review status: criteria provided, single submitter. Criteria: Ambry Variant Classification Scheme 2023. Collection method: clinical testing. Allele origin: germline.
Comment: The p.T2707S variant (also known as c.8119A>T), located in coding exon 26 of the APOB gene, results from an A to T substitution at nucleotide position 8119. The threonine at codon 2707 is replaced by serine, an amino acid with similar properties. This amino acid position is conserved. In addition, this alteration is predicted to be tolerated by in silico analysis. Since supporting evidence is limited at this time, the clinical significance of this alteration remains unclear.